The following is an entry in ClinVar:

ClinVar aggregate classification (germline): Uncertain significance (1 of 4 stars; one submission).

Conditions:
Dyskeratosis congenita, autosomal recessive 6 (DKCB6). Identifiers: MedGen C4225356, MONDO:0014600, OMIM 616353.
Pulmonary fibrosis and/or bone marrow failure, Telomere-related, 4. Also called: PULMONARY FIBROSIS AND/OR BONE MARROW FAILURE SYNDROME, TELOMERE-RELATED, 4. Identifiers: Orphanet 2032, MedGen C4225347, MONDO:0014612, OMIM 616371.

Submission:

Labcorp Genetics (formerly Invitae), Labcorp
Classification: Uncertain significance for Dyskeratosis congenita, autosomal recessive 6; Pulmonary fibrosis and/or bone marrow failure, Telomere-related, 4. Last evaluated: 2021-06-23. Review status: criteria provided, single submitter. Criteria: Invitae Variant Classification Sherloc (09022015). Collection method: clinical testing. Allele origin: germline.
Comment: In summary, the available evidence is currently insufficient to determine the role of this variant in disease. Therefore, it has been classified as a Variant of Uncertain Significance. Algorithms developed to predict the effect of missense changes on protein structure and function are either unavailable or do not agree on the potential impact of this missense change (SIFT: "Deleterious"; PolyPhen-2: "Probably Damaging"; Align-GVGD: "Class C0"). This variant has not been reported in the literature in individuals with PARN-related conditions. This variant is not present in population databases (ExAC no frequency). This sequence change replaces serine with phenylalanine at codon 474 of the PARN protein (p.Ser474Phe). The serine residue is highly conserved and there is a large physicochemical difference between serine and phenylalanine.

NM_002582.4(PARN):c.1421C>T (p.Ser474Phe)

Gene: PARN (poly(A)-specific ribonuclease; minus strand). Cytogenetic location: 16p13.12.
Variant type: single nucleotide variant.
Coding change: c.1421C>T on transcript NM_002582.4 (MANE Select); coding-DNA position 1421, C replaced by T.
Protein change: p.Ser474Phe; replaces serine 474 with phenylalanine.
Molecular consequence: missense variant.
Genome position (GRCh38, 1-based): chr16:14,552,080, G>A on the plus strand (C>T on the coding strand, the complement: PARN is on the minus strand). VCF-style: chr16-14552080-G-A. GRCh37 (hg19) VCF-style: chr16-14645937-G-A.
Other names: c.1238C>T, p.Ser413Phe (NM_001134477.3); c.1283C>T, p.Ser428Phe (NM_001242992.2); short protein forms S413F, S428F, S474F.
Identifiers: ClinVar variation 1495043 (VCV001495043.8), dbSNP rs1967339819, ClinGen allele CA394810488.